The following is an entry in ClinVar:

ClinVar aggregate classification (germline): Uncertain significance (1 of 4 stars; one submission).

Conditions:
Autosomal recessive limb-girdle muscular dystrophy type R18 (LGMDR18). Also called: Limb-girdle muscular dystrophy, type 2S; MUSCULAR DYSTROPHY, LIMB-GIRDLE, AUTOSOMAL RECESSIVE 18; Autosomal recessive limb-girdle muscular dystrophy type 2S. Identifiers: Orphanet 369840, MedGen C4517996, MONDO:0014144, OMIM 615356.

Allele frequency attached by ClinVar (database versions not stated): gnomAD exomes below 0.00001.
gnomAD v4.1: 1 of 1,595,614 alleles (0.000063%); highest among the groups gnomAD compares: Non-Finnish European, 0.000086%; no homozygotes.

Submission:

Labcorp Genetics (formerly Invitae), Labcorp
Classification: Uncertain significance for Autosomal recessive limb-girdle muscular dystrophy type R18. Last evaluated: 2023-04-06. Review status: criteria provided, single submitter. Criteria: Invitae Variant Classification Sherloc (09022015). Collection method: clinical testing. Allele origin: germline.
Comment: This sequence change replaces serine, which is neutral and polar, with asparagine, which is neutral and polar, at codon 744 of the TRAPPC11 protein (p.Ser744Asn). This variant is not present in population databases (gnomAD no frequency). This variant has not been reported in the literature in individuals affected with TRAPPC11-related conditions. ClinVar contains an entry for this variant (Variation ID: 1027019). Advanced modeling of protein sequence and biophysical properties (such as structural, functional, and spatial information, amino acid conservation, physicochemical variation, residue mobility, and thermodynamic stability) performed at Invitae indicates that this missense variant is not expected to disrupt TRAPPC11 protein function. In summary, the available evidence is currently insufficient to determine the role of this variant in disease. Therefore, it has been classified as a Variant of Uncertain Significance.

NM_021942.6(TRAPPC11):c.2231G>A (p.Ser744Asn)

Gene: TRAPPC11 (trafficking protein particle complex subunit 11; plus strand). Cytogenetic location: 4q35.1.
Variant type: single nucleotide variant.
Coding change: c.2231G>A on transcript NM_021942.6 (MANE Select); coding-DNA position 2231, G replaced by A.
Protein change: p.Ser744Asn; replaces serine 744 with asparagine.
Molecular consequence: missense variant.
Genome position (GRCh38, 1-based): chr4:183,693,141, G>A. VCF-style: chr4-183693141-G-A. GRCh37 (hg19) VCF-style: chr4-184614294-G-A.
Other names: c.2231G>A, p.Ser744Asn (NM_199053.3); short protein forms S744N.
Identifiers: ClinVar variation 1027019 (VCV001027019.7), dbSNP rs1736342623, ClinGen allele CA358871106.
Genomic context (GRCh38, chr4:183,693,141, plus strand): 5'-AAAGGCGACCTAAGCTACCTGACAATGAAGTTCACTGGGACAGCATTATAATTCAGGCAA[G>A]CACAATGTAAGTCTGCTTTGCTAAGCTGATATTAAAGGTCATCCTCTTATTTCTTTTGCT-3'
Protein context (NP_068761.4, residues 734-754): VHWDSIIIQA[Ser744Asn]TMIISRVPNI